The following is an entry in ClinVar:

ClinVar aggregate classification (germline): Uncertain significance (1 of 4 stars; one submission).

Conditions:
Cardiovascular phenotype. Identifiers: MedGen CN230736.

gnomAD v4.1: 5 of 1,613,060 alleles (0.00031%); highest among the groups gnomAD compares: Admixed American, 0.0017%; no homozygotes.

Submission:

Ambry Genetics
Classification: Uncertain significance for Cardiovascular phenotype. Last evaluated: 2024-10-22. Review status: criteria provided, single submitter. Criteria: Ambry Variant Classification Scheme 2023. Collection method: clinical testing. Allele origin: germline.
Comment: The p.N108D variant (also known as c.322A>G), located in coding exon 2 of the JAG1 gene, results from an A to G substitution at nucleotide position 322. The asparagine at codon 108 is replaced by aspartic acid, an amino acid with highly similar properties. This amino acid position is conserved. In addition, this alteration is predicted to be tolerated by in silico analysis. Based on the available evidence, the clinical significance of this variant remains unclear.

NM_000214.3(JAG1):c.322A>G (p.Asn108Asp)

Gene: JAG1 (jagged canonical Notch ligand 1; minus strand). Cytogenetic location: 20p12.2.
Variant type: single nucleotide variant.
Coding change: c.322A>G on transcript NM_000214.3 (MANE Select); coding-DNA position 322, A replaced by G.
Protein change: p.Asn108Asp; replaces asparagine 108 with aspartic acid.
Molecular consequence: missense variant.
Genome position (GRCh38, 1-based): chr20:10,672,766, T>C on the plus strand (A>G on the coding strand, the complement: JAG1 is on the minus strand). VCF-style: chr20-10672766-T-C. GRCh37 (hg19) VCF-style: chr20-10653414-T-C.
Other names: short protein forms N108D.
Identifiers: ClinVar variation 3531189 (VCV003531189.1).